The following is an entry in ClinVar:

NM_001365536.1(SCN9A):c.1033G>C (p.Asp345His)

Genes: SCN1A-AS1 (SCN1A and SCN9A antisense RNA 1; plus strand), SCN9A (sodium voltage-gated channel alpha subunit 9; minus strand). Cytogenetic location: 2q24.3.
Variant type: single nucleotide variant.
Coding change: c.1033G>C on transcript NM_001365536.1 (MANE Select); coding-DNA position 1033, G replaced by C.
Protein change: p.Asp345His; replaces aspartic acid 345 with histidine.
Molecular consequence: missense variant.
Genome position (GRCh38, 1-based): chr2:166,293,305, C>G on the plus strand (G>C on the coding strand, the complement: SCN9A is on the minus strand). VCF-style: chr2-166293305-C-G. GRCh37 (hg19) VCF-style: chr2-167149815-C-G.
Other names: c.1033G>C, p.Asp345His (NM_002977.4); short protein forms D345H.
Identifiers: ClinVar variation 471076 (VCV000471076.9), dbSNP rs1553492445, ClinGen allele CA349089110.

ClinVar aggregate classification (germline): Uncertain significance (1 of 4 stars; one submission).

Conditions:
Neuropathy, hereditary sensory and autonomic, type 2A (HSAN2A). Also called: ACROOSTEOLYSIS, NEUROGENIC; ACROOSTEOLYSIS, GIACCAI TYPE; MORVAN DISEASE; NEUROPATHY, CONGENITAL SENSORY; NEUROPATHY, HEREDITARY SENSORY RADICULAR, AUTOSOMAL RECESSIVE; NEUROPATHY, HEREDITARY SENSORY, TYPE IIA. Identifiers: Orphanet 970, MedGen C2752089, MONDO:0024309, OMIM 201300.
Generalized epilepsy with febrile seizures plus, type 7 (GEFSP7). Also called: GEFS+, TYPE 7. Identifiers: Orphanet 36387, MedGen C2751778, MONDO:0013470, OMIM 613863.

Submission:

Labcorp Genetics (formerly Invitae), Labcorp
Classification: Uncertain significance for Neuropathy, hereditary sensory and autonomic, type 2A; Generalized epilepsy with febrile seizures plus, type 7. Last evaluated: 2017-05-17. Review status: criteria provided, single submitter. Criteria: Invitae Variant Classification Sherloc (09022015). Collection method: clinical testing. Allele origin: germline.
Comment: In summary, this variant has uncertain impact on SCN9A function. The available evidence is currently insufficient to determine its role in disease. Therefore, it has been classified as a Variant of Uncertain Significance. Algorithms developed to predict the effect of missense changes on protein structure and function (SIFT, PolyPhen-2, Align-GVGD) all suggest that this variant is likely to be disruptive, but these predictions have not been confirmed by published functional studies and their clinical significance is uncertain. This variant has not been reported in the literature in individuals with a SCN9A-related disease. This variant is not present in population databases (ExAC no frequency). This sequence change replaces aspartic acid with histidine at codon 345 of the SCN9A protein (p.Asp345His). The aspartic acid residue is highly conserved and there is a moderate physicochemical difference between aspartic acid and histidine.